The following is an entry in ClinVar:

ClinVar aggregate classification (germline): Uncertain significance (1 of 4 stars; one submission).

gnomAD v4.1: 1 of 1,613,536 alleles (0.000062%); highest among the groups gnomAD compares: East Asian, 0.0022%; no homozygotes.

Submission:

Labcorp Genetics (formerly Invitae), Labcorp
Classification: Uncertain significance. Last evaluated: 2024-12-04. Review status: criteria provided, single submitter. Criteria: Invitae Variant Classification Sherloc (09022015). Collection method: clinical testing. Allele origin: germline.
Comment: This sequence change replaces methionine, which is neutral and non-polar, with arginine, which is basic and polar, at codon 85 of the FBXO11 protein (p.Met85Arg). This variant is present in population databases (rs749869368, gnomAD 0.01%). This variant has not been reported in the literature in individuals affected with FBXO11-related conditions. An algorithm developed to predict the effect of missense changes on protein structure and function (PolyPhen-2) suggests that this variant is likely to be tolerated. In summary, the available evidence is currently insufficient to determine the role of this variant in disease. Therefore, it has been classified as a Variant of Uncertain Significance.

NM_001190274.2(FBXO11):c.254T>G (p.Met85Arg)

Gene: FBXO11 (F-box protein 11; minus strand). Cytogenetic location: 2p16.3.
Variant type: single nucleotide variant.
Coding change: c.254T>G on transcript NM_001190274.2 (MANE Select); coding-DNA position 254, T replaced by G.
Protein change: p.Met85Arg; replaces methionine 85 with arginine.
Molecular consequence: missense variant. On other transcripts: initiator codon variant (2).
Genome position (GRCh38, 1-based): chr2:47,839,748, A>C on the plus strand (T>G on the coding strand, the complement: FBXO11 is on the minus strand). VCF-style: chr2-47839748-A-C. GRCh37 (hg19) VCF-style: chr2-48066887-A-C.
Other names: c.2T>G, p.Met1Arg (NM_001374325.1, NM_025133.4); short protein forms M85R, M1R.
Identifiers: ClinVar variation 3671685 (VCV003671685.2).